The following is an entry in ClinVar:

ClinVar aggregate classification (germline): Uncertain significance (1 of 4 stars; one submission).

Submission:

Labcorp Genetics (formerly Invitae), Labcorp
Classification: Uncertain significance. Last evaluated: 2024-05-17. Review status: criteria provided, single submitter. Criteria: Invitae Variant Classification Sherloc (09022015). Collection method: clinical testing. Allele origin: germline.
Comment: This variant, c.92_94dup, results in the insertion of 1 amino acid(s) of the ARID1A protein (p.Gln31dup), but otherwise preserves the integrity of the reading frame. This variant is not present in population databases (gnomAD no frequency). This variant has not been reported in the literature in individuals affected with ARID1A-related conditions. In summary, the available evidence is currently insufficient to determine the role of this variant in disease. Therefore, it has been classified as a Variant of Uncertain Significance.

NM_006015.6(ARID1A):c.83AGC[5] (p.Gln31_Arg32insGln)

Gene: ARID1A (AT-rich interaction domain 1A; plus strand). Cytogenetic location: 1p36.11.
Variant type: Microsatellite.
Coding change: c.83AGC[5] on transcript NM_006015.6 (MANE Select); five copies in a row of the 3-base unit AGC starting at c.83; the reference has four copies in a row; one copy, 3 bases duplicated.
Protein change: p.Gln31_Arg32insGln.
Genome position (GRCh38, 1-based): chr1:26,696,495-26,696,497, AGC duplicated; duplicating any 3 consecutive bases within chr1:26,696,486-26,696,497 gives the same sequence; the position shown is the placement nearest the transcript's 3' end. VCF-style (leftmost placement, unchanged base first): chr1-26696485-G-GAGC. GRCh37 (hg19) VCF-style: chr1-27022976-G-GAGC.
Other names: c.83AGC[5], p.Gln31_Arg32insGln (NM_139135.4).
Identifiers: ClinVar variation 3698365 (VCV003698365.2).
Genomic context (GRCh38, chr1:26,696,485, plus strand): 5'-GCCGCCGCCAGCAGCCTGGGCAACCCGCCGCCGCCGCCGCCCTCGGAGCTGAAGAAAGCC[G>GAGC]AGCAGCAGCAGCGGGAGGAGGCGGGGGGCGAGGCGGCGGCGGCGGCAGCGGCCGAGCGCG-3'